The following is an entry in ClinVar:

ClinVar aggregate classification (germline): Uncertain significance (1 of 4 stars; one submission).

gnomAD v4.1: 3 of 1,614,024 alleles (0.00019%); highest among the groups gnomAD compares: South Asian, 0.0011%; no homozygotes.

Submission:

Labcorp Genetics (formerly Invitae), Labcorp
Classification: Uncertain significance. Last evaluated: 2024-05-13. Review status: criteria provided, single submitter. Criteria: Invitae Variant Classification Sherloc (09022015). Collection method: clinical testing. Allele origin: germline.
Comment: This sequence change replaces tyrosine, which is neutral and polar, with cysteine, which is neutral and slightly polar, at codon 671 of the SLIT2 protein (p.Tyr671Cys). This variant is present in population databases (rs774171745, gnomAD 0.0009%). This variant has not been reported in the literature in individuals affected with SLIT2-related conditions. An algorithm developed to predict the effect of missense changes on protein structure and function (PolyPhen-2) suggests that this variant is likely to be disruptive. In summary, the available evidence is currently insufficient to determine the role of this variant in disease. Therefore, it has been classified as a Variant of Uncertain Significance.

NM_004787.4(SLIT2):c.2012A>G (p.Tyr671Cys)

Gene: SLIT2 (slit guidance ligand 2; plus strand). Cytogenetic location: 4p15.31.
Variant type: single nucleotide variant.
Coding change: c.2012A>G on transcript NM_004787.4 (MANE Select); coding-DNA position 2012, A replaced by G.
Protein change: p.Tyr671Cys; replaces tyrosine 671 with cysteine.
Molecular consequence: missense variant.
Genome position (GRCh38, 1-based): chr4:20,541,488, A>G. VCF-style: chr4-20541488-A-G. GRCh37 (hg19) VCF-style: chr4-20543111-A-G.
Other names: c.2000A>G, p.Tyr667Cys (NM_001289135.3); c.1988A>G, p.Tyr663Cys (NM_001289136.3); short protein forms Y667C, Y663C, Y671C.
Identifiers: ClinVar variation 3702570 (VCV003702570.2).